The following is an entry in ClinVar:

NM_001276270.2(MBD4):c.523A>C (p.Asn175His)

Gene: MBD4 (methyl-CpG binding domain 4, DNA glycosylase; minus strand). Cytogenetic location: 3q21.3.
Variant type: single nucleotide variant.
Coding change: c.523A>C on transcript NM_001276270.2 (MANE Select); coding-DNA position 523, A replaced by C.
Protein change: p.Asn175His; replaces asparagine 175 with histidine.
Molecular consequence: missense variant. On other transcripts: intron variant (1).
Genome position (GRCh38, 1-based): chr3:129,437,121, T>G on the plus strand (A>C on the coding strand, the complement: MBD4 is on the minus strand). VCF-style: chr3-129437121-T-G. GRCh37 (hg19) VCF-style: chr3-129155964-T-G.
Other names: c.523A>C (NM_003925.2); c.523A>C, p.Asn175His (NM_001276271.2, NM_001276272.2, NM_003925.3); c.247+687A>C (NM_001276273.2); short protein forms N175H.
Identifiers: ClinVar variation 2701171 (VCV002701171.5), dbSNP rs746527782, ClinGen allele CA82636758.
Genomic context (GRCh38, chr3:129,437,121, plus strand): 5'-TACTACTTGGCGGCATAAACACATCCTTTTTGCACTTGCTTCGGGTCCTGAGGTTCCAGT[T>G]TGAATTGTTACTTTGGTTTTGTAGATGGGATGTCAGGGCTGCCATGCTGCAGTCTTTATA-3'
Protein context (NP_001263199.1, residues 165-185): SHLQNQSNNS[Asn175His]WNLRTRSKCK

ClinVar aggregate classification (germline): Uncertain significance. Review status: criteria provided, multiple submitters, no conflicts (2 of 4 stars). 3 submissions from 3 submitters: Uncertain significance (3). Last evaluated 2026-05-26.

Conditions:
Inborn genetic diseases. Identifiers: MedGen C0950123, MeSH D030342.
MBD4-related disorder. Also called: MBD4-related condition.

Allele frequency attached by ClinVar (database versions not stated): gnomAD exomes below 0.00001; TOPMed 0.00001.
gnomAD v4.1: 4 of 1,614,046 alleles (0.00025%); highest among the groups gnomAD compares: East Asian, 0.0022%; no homozygotes.

Submissions (3):

PreventionGenetics, part of Exact Sciences
Classification: Uncertain significance for MBD4-related condition. Last evaluated: 2026-05-26. Review status: criteria provided, single submitter. Criteria: ACMG Guidelines, 2015. Collection method: clinical testing. Allele origin: germline.
Comment: The MBD4 c.523A>C variant is predicted to result in the amino acid substitution p.Asn175His. To our knowledge, this variant has not been reported in the literature or in a large population database (gnomAD), indicating this variant is rare. This variant is interpreted as uncertain in ClinVar (Variation ID: 2701171). At this time, the clinical significance of this variant is uncertain due to the absence of conclusive functional and genetic evidence.

Labcorp Genetics (formerly Invitae), Labcorp
Classification: Uncertain significance. Last evaluated: 2025-12-23. Review status: criteria provided, single submitter. Criteria: Invitae Variant Classification Sherloc (09022015). Collection method: clinical testing. Allele origin: germline.
Comment: This sequence change replaces asparagine, which is neutral and polar, with histidine, which is basic and polar, at codon 175 of the MBD4 protein (p.Asn175His). This variant is not present in population databases (gnomAD no frequency). This variant has not been reported in the literature in individuals affected with MBD4-related conditions. ClinVar contains an entry for this variant (Variation ID: 2701171). An algorithm developed to predict the effect of missense changes on protein structure and function (PolyPhen-2) suggests that this variant is likely to be tolerated. In summary, the available evidence is currently insufficient to determine the role of this variant in disease. Therefore, it has been classified as a Variant of Uncertain Significance.

Ambry Genetics
Classification: Uncertain significance for Inborn genetic diseases. Last evaluated: 2024-11-22. Review status: criteria provided, single submitter. Criteria: Ambry Variant Classification Scheme 2023. Collection method: clinical testing. Allele origin: germline.
Comment: The p.N175H variant (also known as c.523A>C), located in coding exon 3 of the MBD4 gene, results from an A to C substitution at nucleotide position 523. The asparagine at codon 175 is replaced by histidine, an amino acid with similar properties. This amino acid position is conserved. In addition, this alteration is predicted to be tolerated by in silico analysis. Based on the available evidence, the clinical significance of this variant remains unclear.